The following is an entry in ClinVar:

ClinVar aggregate classification (germline): Uncertain significance (1 of 4 stars; one submission).

gnomAD v4.1: 1 of 1,614,142 alleles (0.000062%); highest among the groups gnomAD compares: Non-Finnish European, 0.000085%; no homozygotes.

Submission:

ARUP Laboratories, Molecular Genetics and Genomics, ARUP Laboratories
Classification: Uncertain significance. Last evaluated: 2024-04-11. Review status: criteria provided, single submitter. Criteria: ARUP Molecular Germline Variant Investigation Process 2024. Collection method: clinical testing. Allele origin: germline.
Comment: The DCTN1 c.1586A>T; p.Asp529Val variant, to our knowledge, is not reported in the medical literature or gene specific databases. This variant is also absent from the Genome Aggregation Database (v2.1.1), indicating it is not a common polymorphism. Computational analyses are uncertain whether this variant is neutral or deleterious (REVEL: 0.51). Due to limited information, the clinical significance of this variant is uncertain at this time.

NM_004082.5(DCTN1):c.1586A>T (p.Asp529Val)

Gene: DCTN1 (dynactin subunit 1; minus strand). Cytogenetic location: 2p13.1.
Variant type: single nucleotide variant.
Coding change: c.1586A>T on transcript NM_004082.5 (MANE Select); coding-DNA position 1586, A replaced by T.
Protein change: p.Asp529Val; replaces aspartic acid 529 with valine.
Molecular consequence: missense variant. On other transcripts: non-coding transcript variant (1).
Genome position (GRCh38, 1-based): chr2:74,369,213, T>A on the plus strand (A>T on the coding strand, the complement: DCTN1 is on the minus strand). VCF-style: chr2-74369213-T-A. GRCh37 (hg19) VCF-style: chr2-74596340-T-A.
Other names: c.1526A>T, p.Asp509Val (NM_001135040.3); c.1184A>T, p.Asp395Val (NM_001135041.3, NM_023019.4); c.1475A>T, p.Asp492Val (NM_001190836.2); c.1565A>T, p.Asp522Val (NM_001190837.2); c.1535A>T, p.Asp512Val (NM_001378991.1); c.1517A>T, p.Asp506Val (NM_001378992.1); short protein forms D395V, D492V, D506V, D509V, D512V, D522V, D529V.
Identifiers: ClinVar variation 3766557 (VCV003766557.1).